The following is an entry in ClinVar:

NM_001077365.2(POMT1):c.283T>C (p.Tyr95His)

Gene: POMT1 (protein O-mannosyltransferase 1; plus strand). Cytogenetic location: 9q34.13.
Variant type: single nucleotide variant.
Coding change: c.283T>C on transcript NM_001077365.2 (MANE Select); coding-DNA position 283, T replaced by C.
Protein change: p.Tyr95His; replaces tyrosine 95 with histidine.
Molecular consequence: missense variant. On other transcripts: 5 prime UTR variant (5), non-coding transcript variant (9), intron variant (2).
Genome position (GRCh38, 1-based): chr9:131,507,370, T>C. VCF-style: chr9-131507370-T-C. GRCh37 (hg19) VCF-style: chr9-134382757-T-C.
Other names: c.121T>C, p.Tyr41His (NM_001077366.2, NM_001353194.2, NM_001353197.2 and 3 more transcripts); c.283T>C, p.Tyr95His (NM_001136113.2, NM_001353193.2, NM_001374690.1 and 1 more transcripts); c.-69T>C (NM_001136114.2, NM_001353195.2, NM_001353199.2 and 2 more transcripts); c.193T>C, p.Tyr65His (NM_001353196.2); c.-29-1541T>C (NM_001374695.1); c.-30+917T>C (NM_001353200.2); short protein forms Y41H, Y95H, Y65H.
Identifiers: ClinVar variation 2104555 (VCV002104555.4), dbSNP rs2539078855, ClinGen allele CA375306125.

ClinVar aggregate classification (germline): Uncertain significance (1 of 4 stars; one submission).

Conditions:
Muscular dystrophy-dystroglycanopathy (congenital with impaired intellectual development), type B, 1. Also called: Muscular dystrophy-dystroglycanopathy (congenital with intellectual disability), type B1; MUSCULAR DYSTROPHY, CONGENITAL, POMT1-RELATED. Identifiers: MedGen C5436962, MONDO:0013159, OMIM 613155.
Walker-Warburg congenital muscular dystrophy. Also called: Muscular dystrophy-dystroglycanopathy, type A; Walker-Warburg syndrome. Identifiers: Orphanet 899, MedGen C0265221, MONDO:0000171.
Autosomal recessive limb-girdle muscular dystrophy type 2K. Also called: MUSCULAR DYSTROPHY-DYSTROGLYCANOPATHY (LIMB-GIRDLE), TYPE C, 1; MUSCULAR DYSTROPHY, LIMB-GIRDLE, TYPE 2K. Identifiers: Orphanet 86812, MedGen C1836373, MONDO:0012248, OMIM 609308.

Allele frequency attached by ClinVar (database versions not stated): gnomAD exomes below 0.00001.
gnomAD v4.1: 1 of 1,614,170 alleles (0.000062%); highest among the groups gnomAD compares: Non-Finnish European, 0.000085%; no homozygotes.

Submission:

Labcorp Genetics (formerly Invitae), Labcorp
Classification: Uncertain significance for Muscular dystrophy-dystroglycanopathy (congenital with impaired intellectual development), type B, 1; Walker-Warburg congenital muscular dystrophy; Autosomal recessive limb-girdle muscular dystrophy type 2K. Last evaluated: 2022-02-28. Review status: criteria provided, single submitter. Criteria: Invitae Variant Classification Sherloc (09022015). Collection method: clinical testing. Allele origin: germline.
Comment: In summary, the available evidence is currently insufficient to determine the role of this variant in disease. Therefore, it has been classified as a Variant of Uncertain Significance. Algorithms developed to predict the effect of missense changes on protein structure and function (SIFT, PolyPhen-2, Align-GVGD) all suggest that this variant is likely to be disruptive. This variant has not been reported in the literature in individuals affected with POMT1-related conditions. This variant is not present in population databases (gnomAD no frequency). This sequence change replaces tyrosine, which is neutral and polar, with histidine, which is basic and polar, at codon 95 of the POMT1 protein (p.Tyr95His).